The following is an entry in ClinVar:

NM_001394062.1(MACF1):c.18544C>T (p.Pro6182Ser)

Gene: MACF1 (microtubule actin crosslinking factor 1; plus strand). Cytogenetic location: 1p34.3.
Variant type: single nucleotide variant.
Coding change: c.18544C>T on transcript NM_001394062.1 (MANE Select); coding-DNA position 18544, C replaced by T.
Protein change: p.Pro6182Ser; replaces proline 6182 with serine.
Molecular consequence: missense variant.
Genome position (GRCh38, 1-based): chr1:39,441,099, C>T. VCF-style: chr1-39441099-C-T. GRCh37 (hg19) VCF-style: chr1-39906771-C-T.
Other names: c.12367C>T, p.Pro4123Ser (NM_012090.5); short protein forms P4123S, P6182S.
Identifiers: ClinVar variation 1030222 (VCV001030222.1), dbSNP rs762203931, ClinGen allele CA339810253.

ClinVar aggregate classification (germline): Uncertain significance (1 of 4 stars; one submission).

Conditions:
Lissencephaly 9 with complex brainstem malformation. Identifiers: Orphanet 572013, MedGen C5193029, MONDO:0032677, OMIM 618325.

Submission:

Baylor Genetics
Classification: Uncertain significance for Lissencephaly 9 with complex brainstem malformation. Last evaluated: 2019-12-06. Review status: criteria provided, single submitter. Criteria: ACMG Guidelines, 2015. Collection method: clinical testing. Allele origin: unknown. Affected: yes.
Comment: This variant was determined to be of uncertain significance according to ACMG Guidelines, 2015 [PMID:25741868].